The following is an entry in ClinVar:

ClinVar aggregate classification (germline): Benign (1 of 4 stars; one submission).

Allele frequency attached by ClinVar (database versions not stated): ESP Exome Variant Server 0.43886; TOPMed 0.45512; gnomAD 0.45815; ExAC 0.48947; 1000 Genomes Project 30x 0.51905; 1000 Genomes Project 0.52835.
gnomAD v4.1: 673,477 of 1,526,412 alleles (44%); highest among the groups gnomAD compares: East Asian, 77%; 151,951 homozygotes.

Submission:

Unidad de Genómica Garrahan, Hospital de Pediatría Garrahan
Classification: Benign. Last evaluated: 2023-11-12. Review status: criteria provided, single submitter. Criteria: ACMG Guidelines, 2015. Collection method: clinical testing. Allele origin: germline. Affected: no. Observed: 58 variant alleles.
Comment: This variant is classified as Benign based on local population frequency. This variant was detected in 60% of patients studied by a panel of primary immunodeficiencies. Number of patients: 58. Only high quality variants are reported.

NM_000234.3(LIG1):c.2233-46G>A

Gene: LIG1 (DNA ligase 1; minus strand). Cytogenetic location: 19q13.33.
Variant type: single nucleotide variant.
Coding change: c.2233-46G>A on transcript NM_000234.3 (MANE Select); 46 bases into the intron before coding-DNA position 2233, G replaced by A.
Molecular consequence: intron variant.
Genome position (GRCh38, 1-based): chr19:48,121,368, C>T on the plus strand (G>A on the coding strand, the complement: LIG1 is on the minus strand). VCF-style: chr19-48121368-C-T. GRCh37 (hg19) VCF-style: chr19-48624625-C-T.
Other names: c.2140-46G>A (NM_001289063.2); c.2143-46G>A (NM_001320971.2); c.2029-46G>A (NM_001289064.2); c.2230-46G>A (NM_001320970.2).
Identifiers: ClinVar variation 2628142 (VCV002628142.2), dbSNP rs153023, ClinGen allele CA9546488.